The following is an entry in ClinVar:

NM_001211.6(BUB1B):c.1531G>A (p.Ala511Thr)

Gene: BUB1B (BUB1 mitotic checkpoint serine/threonine kinase B; plus strand). Cytogenetic location: 15q15.1.
Variant type: single nucleotide variant.
Coding change: c.1531G>A on transcript NM_001211.6 (MANE Select); coding-DNA position 1531, G replaced by A.
Protein change: p.Ala511Thr; replaces alanine 511 with threonine.
Molecular consequence: missense variant.
Genome position (GRCh38, 1-based): chr15:40,200,944, G>A. VCF-style: chr15-40200944-G-A. GRCh37 (hg19) VCF-style: chr15-40493145-G-A.
Other names: short protein forms A511T.
Identifiers: ClinVar variation 3221352 (VCV003221352.1), dbSNP rs2542557108, ClinGen allele CA391690701.

ClinVar aggregate classification (germline): Uncertain significance (1 of 4 stars; one submission).

Conditions:
Inborn genetic diseases. Identifiers: MedGen C0950123, MeSH D030342.

Submission:

Ambry Genetics
Classification: Uncertain significance for Inborn genetic diseases. Last evaluated: 2023-12-20. Review status: criteria provided, single submitter. Criteria: Ambry Variant Classification Scheme 2023. Collection method: clinical testing. Allele origin: germline.
Comment: The p.A511T variant (also known as c.1531G>A), located in coding exon 12 of the BUB1B gene, results from a G to A substitution at nucleotide position 1531. The alanine at codon 511 is replaced by threonine, an amino acid with similar properties. This amino acid position is conserved. In addition, this alteration is predicted to be tolerated by in silico analysis. Since supporting evidence is limited at this time, the clinical significance of this alteration remains unclear.